The following is an entry in ClinVar:

NM_004100.5(EYA4):c.1436G>A (p.Arg479Lys)

Genes: EYA4 (EYA transcriptional coactivator and phosphatase 4; plus strand), TARID (TCF21 antisense RNA inducing promoter demethylation; minus strand). Cytogenetic location: 6q23.2.
Variant type: single nucleotide variant.
Coding change: c.1436G>A on transcript NM_004100.5 (MANE Select); coding-DNA position 1436, G replaced by A.
Protein change: p.Arg479Lys; replaces arginine 479 with lysine.
Molecular consequence: missense variant.
Genome position (GRCh38, 1-based): chr6:133,512,973, G>A. VCF-style: chr6-133512973-G-A. GRCh37 (hg19) VCF-style: chr6-133834111-G-A.
Other names: c.1274G>A, p.Arg425Lys (NM_001301012.2); c.1454G>A, p.Arg485Lys (NM_001301013.2); c.1367G>A, p.Arg456Lys (NM_001370458.1, NM_172103.4); c.1292G>A, p.Arg431Lys (NM_001370459.1); c.1436G>A, p.Arg479Lys (NM_172105.4); c.1436G>A (NM_004100.4); short protein forms R479K, R425K, R456K, R485K, R431K.
Identifiers: ClinVar variation 4759785 (VCV004759785.2).
Genomic context (GRCh38, chr6:133,512,973, plus strand): 5'-CTGCAAGTAGTGCAAACCTTTGTTTGCCAACAGGTGTAAGAGGAGGGGTTGACTGGATGA[G>A]GAAGTTGGCTTTTCGTTACAGAAGAGTAAAAGAATTATATAACACCTACAAGAACAACGT-3'
Protein context (NP_004091.3, residues 469-489): TGVRGGVDWM[Arg479Lys]KLAFRYRRVK

ClinVar aggregate classification (germline): Uncertain significance. Review status: criteria provided, multiple submitters, no conflicts (2 of 4 stars). 2 submissions from 2 submitters: Uncertain significance (2). Last evaluated 2025-08-12.

Conditions:
Dilated cardiomyopathy 1J (CMD1J). Also called: CARDIOMYOPATHY, DILATED, WITH SENSORINEURAL HEARING LOSS, AUTOSOMAL DOMINANT. Identifiers: Orphanet 217622, MedGen C1854368, MONDO:0011541, OMIM 605362.
EYA4-related disorder. Also called: EYA4-related condition; EYA4-related disorders. Identifiers: MedGen CN239388.

Submissions (2):

Labcorp Genetics (formerly Invitae), Labcorp
Classification: Uncertain significance for Dilated cardiomyopathy 1J. Last evaluated: 2025-08-12. Review status: criteria provided, single submitter. Criteria: Invitae Variant Classification Sherloc (09022015). Collection method: clinical testing. Allele origin: germline.
Comment: This sequence change replaces arginine, which is basic and polar, with lysine, which is basic and polar, at codon 479 of the EYA4 protein (p.Arg479Lys). This variant is not present in population databases (gnomAD no frequency). This variant has not been reported in the literature in individuals affected with EYA4-related conditions. Invitae Evidence Modeling of protein sequence and biophysical properties (such as structural, functional, and spatial information, amino acid conservation, physicochemical variation, residue mobility, and thermodynamic stability) indicates that this missense variant is not expected to disrupt EYA4 protein function with a negative predictive value of 80%. In summary, the available evidence is currently insufficient to determine the role of this variant in disease. Therefore, it has been classified as a Variant of Uncertain Significance.

PreventionGenetics, part of Exact Sciences
Classification: Uncertain significance for EYA4-related condition. Last evaluated: 2024-10-18. Review status: criteria provided, single submitter. Criteria: ACMG Guidelines, 2015. Collection method: clinical testing. Allele origin: germline.
Comment: The EYA4 c.1436G>A variant is predicted to result in the amino acid substitution p.Arg479Lys. To our knowledge, this variant has not been reported in the literature or in a large population database (gnomAD), indicating this variant is rare. At this time, the clinical significance of this variant is uncertain due to the absence of conclusive functional and genetic evidence.